The following is an entry in ClinVar:

ClinVar aggregate classification (germline): Conflicting classifications of pathogenicity. Review status: criteria provided, conflicting classifications (1 of 4 stars). 7 submissions from 7 submitters: Uncertain significance (3); Benign (1); Likely benign (2). 1 of the submissions does not count toward it. Last evaluated 2025-12-30.

Conditions:
Hereditary cancer-predisposing syndrome. Also called: Neoplastic Syndromes, Hereditary; Tumor predisposition; Hereditary Cancer Syndrome; Hereditary neoplastic syndrome. Identifiers: Orphanet 140162, MedGen C0027672, MeSH D009386, MONDO:0015356.
Breast-ovarian cancer, familial, susceptibility to, 4. Identifiers: Orphanet 145, MedGen C3280345, MONDO:0013669, OMIM 614291.
Familial ovarian cancer. Identifiers: MedGen C5679802, MONDO:0016248.

Allele frequency attached by ClinVar (database versions not stated): gnomAD 0.00001; gnomAD exomes 0.00001 and 0.00006; TOPMed 0.00003; ExAC 0.00005.
gnomAD v4.1: 16 of 1,612,458 alleles (0.00099%); highest among the groups gnomAD compares: East Asian, 0.033%; no homozygotes.

Submissions (7):

Labcorp Genetics (formerly Invitae), Labcorp
Classification: Likely benign for Breast-ovarian cancer, familial, susceptibility to, 4. Last evaluated: 2025-12-30. Review status: criteria provided, single submitter. Criteria: Invitae Variant Classification Sherloc (09022015). Collection method: clinical testing. Allele origin: germline.

Women's Health and Genetics/Laboratory Corporation of America, LabCorp
Classification: Benign. Last evaluated: 2025-07-29. Review status: criteria provided, single submitter. Criteria: LabCorp Variant Classification Summary - May 2015. Collection method: clinical testing. Allele origin: germline.
Comment: Variant summary: RAD51D c.144+3G>T alters a conserved nucleotide located close to a canonical splice site and therefore could affect mRNA splicing, leading to a significantly altered protein sequence. Consensus agreement among computation tools predict no significant impact on normal splicing. However, these predictions have yet to be confirmed by functional studies. The variant allele was found at a frequency of 6.4e-05 in 251426 control chromosomes, predominantly at a frequency of 0.00082 within the East Asian subpopulation in the gnomAD database. The observed variant frequency within East Asian control individuals in the gnomAD database is approximately 6.56 fold of the estimated maximal expected allele frequency for a pathogenic variant in RAD51D causing Hereditary Breast And Ovarian Cancer Syndrome phenotype (0.00013). To our knowledge, no occurrence of c.144+3G>T in individuals affected with Hereditary Breast And Ovarian Cancer Syndrome and no experimental evidence demonstrating its impact on protein function have been reported. The following publication has been ascertained in the context of this evaluation (PMID: 31642931). ClinVar contains an entry for this variant (Variation ID: 472589). Based on the evidence outlined above, the variant was classified as benign.

Molecular Pathology, Peter Maccallum Cancer Centre
Classification: Uncertain significance for Familial ovarian cancer. Last evaluated: 2024-08-26. Review status: criteria provided, single submitter. Criteria: ACMG Guidelines, 2015. Collection method: clinical testing. Allele origin: germline. Inheritance: Autosomal dominant inheritance.

Color Diagnostics, LLC DBA Color Health
Classification: Uncertain significance for Hereditary cancer-predisposing syndrome. Last evaluated: 2024-06-14. Review status: criteria provided, single submitter. Criteria: ACMG Guidelines, 2015. Collection method: clinical testing. Allele origin: germline.
Comment: This variant causes a G to T nucleotide substitution at the +3 position of intron 2 of the RAD51D gene. RNA functional studies have reported that this variant does not affect RNA splicing (PMID: 31642931). To our knowledge, this variant has not been reported in individuals affected with hereditary cancer in the literature. This variant has been identified in 18/282826 chromosomes in the general population by the Genome Aggregation Database (gnomAD). The available evidence is insufficient to determine the role of this variant in disease conclusively. Therefore, this variant is classified as a Variant of Uncertain Significance.

GeneDx
Classification: Uncertain significance. Last evaluated: 2019-09-10. Review status: criteria provided, single submitter. Criteria: GeneDx Variant Classification Process June 2021. Collection method: clinical testing. Allele origin: germline. Affected: yes.
Comment: Has not been previously published as pathogenic or benign to our knowledge; In-silico analysis, which includes splice predictors and evolutionary conservation, is inconclusive as to whether the variant alters gene splicing. In the absence of RNA/functional studies, the actual effect of this sequence change is unknown.; Also known as IVS3+3G>T; This variant is associated with the following publications: (PMID: 31642931)

Ambry Genetics
Classification: Likely benign for Hereditary cancer-predisposing syndrome. Last evaluated: 2018-03-12. Review status: criteria provided, single submitter. Criteria: Ambry Variant Classification Scheme 2023. Collection method: clinical testing. Allele origin: germline.

Department of Pathology and Laboratory Medicine, Sinai Health System
Classification: Uncertain significance for Breast-ovarian cancer, familial, susceptibility to, 4. Review status: no assertion criteria provided. Collection method: clinical testing. Allele origin: unknown. Affected: yes. Study: The Canadian Open Genetics Repository (COGR). Not counted in ClinVar's aggregate classification.
Comment: The RAD51D c.144+3G>T variant was not identified in the literature nor was it identified in the Cosmic, databases. The variant was identified in dbSNP (ID: rs761057565) as â€šÃ„ÃºNAâ€šÃ„Ã¹, ClinVar (classified uncertain significance by Invitae and Ambry Genetics) and in control databases in 17 of 277220 chromosomes at a frequency of 0.00006 (Genome Aggregation Database Feb 27, 2017). Breakdown of the observations by population include Other in 1 of 6466 chromosomes (freq: 0.0002) and East Asian in 16 of 18870 chromosomes (freq: 0.0008), while not observed in the African, Latino, European Non-Finnish, Ashkenazi Jewish, European Finnish, and South Asian populations. The c.144+3G>T variant is located in the 5' splice region but does not affect the invariant +1 and +2 positions. However, positions +3 to +6 are part of the splicing consensus sequence and variants involving these positions sometimes affect splicing. 2 of 5 in silico or computational prediction software programs (SpliceSiteFinder, MaxEntScan, NNSPLICE, GeneSplicer, HumanSpliceFinder) predict a greater than 10% difference in splicing; this is not very predictive of pathogenicity. In summary, based on the above information the clinical significance of this variant cannot be determined with certainty at this time. This variant is classified as a variant of uncertain significance.

Literature cited by the submitters: PubMed 31642931 (cited by Women's Health and Genetics/Laboratory Corporation of America, LabCorp and Color Diagnostics, LLC DBA Color Health).

NM_002878.4(RAD51D):c.144+3G>T

Genes: RAD51L3-RFFL (RAD51L3-RFFL readthrough; minus strand), RAD51D (RAD51 paralog D; minus strand). Cytogenetic location: 17q12.
Variant type: single nucleotide variant.
Coding change: c.144+3G>T on transcript NM_002878.4 (MANE Select); 3 bases into the intron after coding-DNA position 144, G replaced by T.
Molecular consequence: intron variant.
Genome position (GRCh38, 1-based): chr17:35,119,108, C>A on the plus strand (G>T on the coding strand, the complement: RAD51D is on the minus strand). VCF-style: chr17-35119108-C-A. GRCh37 (hg19) VCF-style: chr17-33446127-C-A.
Other names: c.144+3G>T (NM_133629.3, NM_001142571.2).
Identifiers: ClinVar variation 472589 (VCV000472589.23), dbSNP rs761057565, ClinGen allele CA8499661.
Genomic context (GRCh38, chr17:35,119,108, plus strand): 5'-CTGGCTTGGGATGGACTTTTTAAAAAGACACTCAGGTTTGGAATGTGGAGATCAGGAGCT[C>A]ACCTTGTAAGACAAGCCACATTTCTGAGCTACCTCTTCCAGGTCTGCAGAAACCAGGTCC-3'